The following is an entry in ClinVar:

NM_000090.4(COL3A1):c.3226C>G (p.Pro1076Ala)

Gene: COL3A1 (collagen type III alpha 1 chain; plus strand). Cytogenetic location: 2q32.2.
Variant type: single nucleotide variant.
Coding change: c.3226C>G on transcript NM_000090.4 (MANE Select); coding-DNA position 3226, C replaced by G.
Protein change: p.Pro1076Ala; replaces proline 1076 with alanine.
Molecular consequence: missense variant.
Genome position (GRCh38, 1-based): chr2:189,006,961, C>G. VCF-style: chr2-189006961-C-G. GRCh37 (hg19) VCF-style: chr2-189871687-C-G.
Other names: short protein forms P1076A.
Identifiers: ClinVar variation 3377839 (VCV003377839.2).
Genomic context (GRCh38, chr2:189,006,961, plus strand): 5'-CGTGTATGTCTTCTCAATTGAATGTTTTCATCTTAGGGCCCTGCTGGCCCTGCTGGTGCT[C>G]CCGGTCCTGCTGGTTCCCGAGGTGCTCCTGTAAGTTTTGTCATTTTTTGGTTTTATTTTG-3'
Protein context (NP_000081.2, residues 1066-1086): ESGPAGPAGA[Pro1076Ala]GPAGSRGAPG

ClinVar aggregate classification (germline): Uncertain significance. Review status: criteria provided, multiple submitters, no conflicts (2 of 4 stars). 2 submissions from 2 submitters: Uncertain significance (2). Last evaluated 2024-05-14.

Conditions:
Ehlers-Danlos syndrome, type 4 (EDSVASC). Also called: Ehlers-Danlos syndrome vascular type; Ehlers Danlos syndrome, ecchymotic type; Ehlers Danlos syndrome, arterial type; Ehlers Danlos syndrome, Sack-Barabas type; Ehlers-Danlos Syndrome Type IV. Identifiers: Orphanet 286, MedGen C0268338, MONDO:0017314, OMIM 130050.

gnomAD v4.1: 1 of 1,613,090 alleles (0.000062%); highest among the groups gnomAD compares: Non-Finnish European, 0.000085%; no homozygotes.

Submissions (2):

GeneDx
Classification: Uncertain significance. Last evaluated: 2024-05-14. Review status: criteria provided, single submitter. Criteria: GeneDx Variant Classification Process June 2021. Collection method: clinical testing. Allele origin: germline. Affected: yes.
Comment: Not observed at significant frequency in large population cohorts (gnomAD); In silico analysis indicates that this missense variant does not alter protein structure/function; Has not been previously published as pathogenic or benign to our knowledge; Occurs in the triple helical domain at the Y position in the canonical Gly-X-Y repeat; although this variant may have an effect on normal protein folding and function, missense substitution at the Y position is not a common mechanism of disease (HGMD)

All of Us Research Program, National Institutes of Health
Classification: Uncertain significance for Ehlers-Danlos syndrome, type 4. Last evaluated: 2024-03-05. Review status: criteria provided, single submitter. Criteria: ACMG Guidelines, 2015. Collection method: clinical testing. Allele origin: germline. Inheritance: Autosomal dominant inheritance. Observed: 1 variant allele, 1 heterozygote.
Comment: This study involves interpretation of variants in research participants for the purpose of population health screening. Participant phenotype was not available at the time of variant classification. Additional details can be found in publication PMID: 35346344, PMCID: PMC8962531